The following is an entry in ClinVar:

NM_002334.4(LRP4):c.5414AGA[1] (p.Lys1806del)

Genes: LRP4 (LDL receptor related protein 4; minus strand), LRP4-AS1 (LRP4 antisense RNA 1; plus strand). Cytogenetic location: 11p11.2.
Variant type: Microsatellite.
Coding change: c.5414AGA[1] on transcript NM_002334.4 (MANE Select); one copy of the 3-base unit AGA starting at c.5414; the reference has two copies in a row; one copy, 3 bases deleted; also written c.5417_5419del.
Protein change: p.Lys1806del; deletes lysine 1806.
Molecular consequence: inframe deletion.
Genome position (GRCh38, 1-based): chr11:46,859,282-46,859,284, TCT deleted on the plus strand (AGA on the coding strand, the reverse complement: LRP4 is on the minus strand); deleting any 3 consecutive bases within chr11:46,859,282-46,859,287 gives the same sequence; the position shown is the placement nearest the transcript's 3' end. VCF-style (leftmost placement, unchanged base first): chr11-46859281-ATCT-A. GRCh37 (hg19) VCF-style: chr11-46880832-ATCT-A.
Other names: c.5417_5419delAGA (NM_002334.3); c.5417_5419del (NM_002334.4); short protein forms K1806del.
Identifiers: ClinVar variation 582866 (VCV000582866.8), dbSNP rs769465803, ClinGen allele CA5969026.

ClinVar aggregate classification (germline): Uncertain significance. Review status: criteria provided, multiple submitters, no conflicts (2 of 4 stars). 2 submissions from 2 submitters: Uncertain significance (2). Last evaluated 2024-05-01.

Conditions:
Cenani-Lenz syndactyly syndrome. Also called: SYNDACTYLY, TYPE VII; CENANI SYNDACTYLISM. Identifiers: Orphanet 3258, MedGen C1859309, MONDO:0008931, OMIM 212780.
Sclerosteosis 2 (SOST2). Identifiers: Orphanet 3152, MedGen C3280402, MONDO:0013679, OMIM 614305.
Congenital myasthenic syndrome 17. Identifiers: Orphanet 590, MedGen C4225377, MONDO:0014578, OMIM 616304.

Submissions (2):

Fulgent Genetics
Classification: Uncertain significance for Cenani-Lenz syndactyly syndrome; Sclerosteosis 2; Congenital myasthenic syndrome 17. Last evaluated: 2024-05-01. Review status: criteria provided, single submitter. Criteria: ACMG Guidelines, 2015. Collection method: clinical testing. Allele origin: germline.

Labcorp Genetics (formerly Invitae), Labcorp
Classification: Uncertain significance for Cenani-Lenz syndactyly syndrome; Sclerosteosis 2; Congenital myasthenic syndrome 17. Last evaluated: 2021-08-20. Review status: criteria provided, single submitter. Criteria: Invitae Variant Classification Sherloc (09022015). Collection method: clinical testing. Allele origin: germline.
Comment: This variant, c.5417_5419del, results in the deletion of 1 amino acid(s) of the LRP4 protein (p.Lys1806del), but otherwise preserves the integrity of the reading frame. The frequency data for this variant in the population databases is considered unreliable, as metrics indicate poor data quality at this position in the ExAC database. This variant has not been reported in the literature in individuals affected with LRP4-related conditions. Experimental studies and prediction algorithms are not available or were not evaluated, and the functional significance of this variant is currently unknown. In summary, the available evidence is currently insufficient to determine the role of this variant in disease. Therefore, it has been classified as a Variant of Uncertain Significance.